The following is an entry in ClinVar:

NM_001854.4(COL11A1):c.3654+91_3654+92del

Gene: COL11A1 (collagen type XI alpha 1 chain; minus strand). Cytogenetic location: 1p21.1.
Variant type: Deletion.
Coding change: c.3654+91_3654+92del on transcript NM_001854.4 (MANE Select); bases 91 to 92 of the intron after coding-DNA position 3654, 2 bases deleted (GT; older notation c.3654+91_3654+92delGT).
Molecular consequence: intron variant.
Genome position (GRCh38, 1-based): chr1:102,923,244-102,923,245, AC deleted on the plus strand (GT on the coding strand, the reverse complement: COL11A1 is on the minus strand); deleting any 2 consecutive bases within chr1:102,923,244-102,923,246 gives the same sequence; the c. name uses the placement nearest the transcript's 3' end. VCF-style (leftmost placement, unchanged base first): chr1-102923243-TAC-T. GRCh37 (hg19) VCF-style: chr1-103388799-TAC-T.
Other names: c.3537+91_3537+92del (NM_001190709.2); c.3690+91_3690+92del (NM_080629.3); c.3306+91_3306+92del (NM_080630.4).
Identifiers: ClinVar variation 674970 (VCV000674970.1), dbSNP rs34112708, ClinGen allele CA27683824.

ClinVar aggregate classification (germline): Likely benign (1 of 4 stars; one submission).

Submission:

GeneDx
Classification: Likely benign. Last evaluated: 2018-06-14. Review status: criteria provided, single submitter. Criteria: GeneDx Variant Classification (06012015). Collection method: clinical testing. Allele origin: germline. Affected: yes.
Comment: This variant is considered likely benign or benign based on one or more of the following criteria: it is a conservative change, it occurs at a poorly conserved position in the protein, it is predicted to be benign by multiple in silico algorithms, and/or has population frequency not consistent with disease.